The following is an entry in ClinVar:

NM_004204.5(PIGQ):c.707C>T (p.Pro236Leu)

Gene: PIGQ (phosphatidylinositol glycan anchor biosynthesis class Q; plus strand). Cytogenetic location: 16p13.3.
Variant type: single nucleotide variant.
Coding change: c.707C>T on transcript NM_004204.5 (MANE Select); coding-DNA position 707, C replaced by T.
Protein change: p.Pro236Leu; replaces proline 236 with leucine.
Molecular consequence: missense variant.
Genome position (GRCh38, 1-based): chr16:575,856, C>T. VCF-style: chr16-575856-C-T. GRCh37 (hg19) VCF-style: chr16-625856-C-T.
Other names: c.707C>T, p.Pro236Leu (NM_148920.4); c.707C>T (NM_148920.1); short protein forms P236L.
Identifiers: ClinVar variation 1356608 (VCV001356608.6), dbSNP rs147675216, ClinGen allele CA7779956.

ClinVar aggregate classification (germline): Uncertain significance. Review status: criteria provided, multiple submitters, no conflicts (2 of 4 stars). 2 submissions from 2 submitters: Uncertain significance (2). Last evaluated 2023-12-17.

Conditions:
Inborn genetic diseases. Identifiers: MedGen C0950123, MeSH D030342.
Epilepsy. Also called: Seizure disorder. Identifiers: MedGen C0014544, MeSH D004827, MONDO:0005027.

Allele frequency attached by ClinVar (database versions not stated): gnomAD exomes below 0.00001 and 0.00001; gnomAD 0.00001; TOPMed 0.00002; ExAC 0.00004; ESP Exome Variant Server 0.00008.
gnomAD v4.1: 4 of 1,567,600 alleles (0.00026%); highest among the groups gnomAD compares: African/African-American, 0.0054%; no homozygotes.

Submissions (2):

Ambry Genetics
Classification: Uncertain significance for Inborn genetic diseases. Last evaluated: 2023-12-17. Review status: criteria provided, single submitter. Criteria: Ambry Variant Classification Scheme 2023. Collection method: clinical testing. Allele origin: germline.

Labcorp Genetics (formerly Invitae), Labcorp
Classification: Uncertain significance for Epilepsy. Last evaluated: 2021-08-27. Review status: criteria provided, single submitter. Criteria: Invitae Variant Classification Sherloc (09022015). Collection method: clinical testing. Allele origin: germline.
Comment: This sequence change replaces proline with leucine at codon 236 of the PIGQ protein (p.Pro236Leu). The proline residue is moderately conserved and there is a moderate physicochemical difference between proline and leucine. This variant is present in population databases (rs147675216, ExAC 0.03%). This variant has not been reported in the literature in individuals affected with PIGQ-related conditions. Algorithms developed to predict the effect of missense changes on protein structure and function are either unavailable or do not agree on the potential impact of this missense change (SIFT: "Deleterious"; PolyPhen-2: "Probably Damaging"; Align-GVGD: "Class C0"). In summary, the available evidence is currently insufficient to determine the role of this variant in disease. Therefore, it has been classified as a Variant of Uncertain Significance.